The following is an entry in ClinVar:

ClinVar aggregate classification (germline): Pathogenic (1 of 4 stars; one submission).

Submission:

Labcorp Genetics (formerly Invitae), Labcorp
Classification: Pathogenic. Last evaluated: 2025-03-16. Review status: criteria provided, single submitter. Criteria: Invitae Variant Classification Sherloc (09022015). Collection method: clinical testing. Allele origin: germline.
Comment: This sequence change replaces glycine, which is neutral and non-polar, with serine, which is neutral and polar, at codon 567 of the COL2A1 protein (p.Gly567Ser). This variant is not present in population databases (gnomAD no frequency). This missense change has been observed in individual(s) with spondyloepiphyseal dysplasia congenita (PMID: 35581182). In at least one individual the variant was observed to be de novo. ClinVar contains an entry for this variant (Variation ID: 1524221). Invitae Evidence Modeling of protein sequence and biophysical properties (such as structural, functional, and spatial information, amino acid conservation, physicochemical variation, residue mobility, and thermodynamic stability) indicates that this missense variant is expected to disrupt COL2A1 protein function with a positive predictive value of 95%. This variant disrupts the triple helix domain of COL2A1. Glycine residues within the Gly-Xaa-Yaa repeats of the triple helix domain are required for the structure and stability of fibrillar collagens (PMID: 7695699, 8218237, 19344236). In COL2A1, variants affecting these glycine residues are significantly enriched in individuals with disease (PMID: 9016532, 17078022) compared to the general population (ExAC). For these reasons, this variant has been classified as Pathogenic.

Literature cited by the submitters: PubMed 35581182; PubMed 7695699; PubMed 8218237; PubMed 19344236; PubMed 9016532; PubMed 17078022.

NM_001844.5(COL2A1):c.1699G>A (p.Gly567Ser)

Gene: COL2A1 (collagen type II alpha 1 chain; minus strand). Cytogenetic location: 12q13.11.
Variant type: single nucleotide variant.
Coding change: c.1699G>A on transcript NM_001844.5 (MANE Select); coding-DNA position 1699, G replaced by A.
Protein change: p.Gly567Ser; replaces glycine 567 with serine.
Molecular consequence: missense variant.
Genome position (GRCh38, 1-based): chr12:47,985,569, C>T on the plus strand (G>A on the coding strand, the complement: COL2A1 is on the minus strand). VCF-style: chr12-47985569-C-T. GRCh37 (hg19) VCF-style: chr12-48379352-C-T.
Other names: c.1492G>A, p.Gly498Ser (NM_033150.3); short protein forms G498S, G567S.
Identifiers: ClinVar variation 1524221 (VCV001524221.6), dbSNP rs2136566584, ClinGen allele CA384551127.